The following is an entry in ClinVar:

ClinVar aggregate classification (germline): Uncertain significance. Review status: criteria provided, multiple submitters, no conflicts (2 of 4 stars). 3 submissions from 3 submitters: Uncertain significance (3). Last evaluated 2025-03-27.

Conditions:
Inborn genetic diseases. Identifiers: MedGen C0950123, MeSH D030342.

gnomAD v4.1: 31 of 1,613,224 alleles (0.0019%); highest among the groups gnomAD compares: African/African-American, 0.032%; no homozygotes.

Submissions (3):

Ambry Genetics
Classification: Uncertain significance for Inborn genetic diseases. Last evaluated: 2025-03-27. Review status: criteria provided, single submitter. Criteria: Ambry Variant Classification Scheme 2023. Collection method: clinical testing. Allele origin: germline.

GeneDx
Classification: Uncertain significance. Last evaluated: 2023-12-01. Review status: criteria provided, single submitter. Criteria: GeneDx Variant Classification Process June 2021. Collection method: clinical testing. Allele origin: germline. Affected: yes.
Comment: In silico analysis supports that this missense variant does not alter protein structure/function; Has not been previously published as pathogenic or benign to our knowledge

Blueprint Genetics
Classification: Uncertain significance. Last evaluated: 2020-08-12. Review status: criteria provided, single submitter. Criteria: ACMG Guidelines, 2015. Collection method: clinical testing. Allele origin: germline.

NM_138691.3(TMC1):c.11A>G (p.Lys4Arg)

Gene: TMC1 (transmembrane channel like 1; plus strand). Cytogenetic location: 9q21.13.
Variant type: single nucleotide variant.
Coding change: c.11A>G on transcript NM_138691.3 (MANE Select); coding-DNA position 11, A replaced by G.
Protein change: p.Lys4Arg; replaces lysine 4 with arginine.
Molecular consequence: missense variant.
Genome position (GRCh38, 1-based): chr9:72,648,659, A>G. VCF-style: chr9-72648659-A-G. GRCh37 (hg19) VCF-style: chr9-75263575-A-G.
Other names: short protein forms K4R.
Identifiers: ClinVar variation 3364821 (VCV003364821.3).